The following is an entry in ClinVar:

NM_001267550.2(TTN):c.79603C>T (p.Gln26535Ter)

Genes: TTN (titin; minus strand), TTN-AS1 (TTN antisense RNA 1; plus strand). Cytogenetic location: 2q31.2.
Variant type: single nucleotide variant.
Coding change: c.79603C>T on transcript NM_001267550.2 (MANE Select); coding-DNA position 79603, C replaced by T.
Protein change: p.Gln26535Ter; replaces glutamine 26535 with a stop codon.
Molecular consequence: nonsense.
Genome position (GRCh38, 1-based): chr2:178,566,529, G>A on the plus strand (C>T on the coding strand, the complement: TTN is on the minus strand). VCF-style: chr2-178566529-G-A. GRCh37 (hg19) VCF-style: chr2-179431256-G-A.
Other names: c.74680C>T, p.Gln24894Ter (NM_001256850.1); c.52408C>T, p.Gln17470Ter (NM_003319.4); c.71899C>T, p.Gln23967Ter (NM_133378.4); c.52783C>T, p.Gln17595Ter (NM_133432.3); c.52984C>T, p.Gln17662Ter (NM_133437.4); short protein forms Q24894*, Q26535*, Q17470*, Q17662*, Q17595*, Q23967*.
Identifiers: ClinVar variation 419495 (VCV000419495.15), dbSNP rs1064793911, ClinGen allele CA16617347.

ClinVar aggregate classification (germline): Pathogenic/Likely pathogenic. Review status: criteria provided, multiple submitters, no conflicts (2 of 4 stars). 4 submissions from 4 submitters: Pathogenic (2); Likely pathogenic (1). 1 of the submissions does not count toward it. Last evaluated 2026-02-11.

Conditions:
Cardiovascular phenotype. Identifiers: MedGen CN230736.
Dilated cardiomyopathy 1G (CMD1G). Identifiers: Orphanet 154, MedGen C1858763, MONDO:0011400, OMIM 604145.
Autosomal recessive limb-girdle muscular dystrophy type 2J (LGMDR10). Also called: Limb-girdle muscular dystrophy, type 2J; MUSCULAR DYSTROPHY, LIMB-GIRDLE, AUTOSOMAL RECESSIVE 10. Identifiers: Orphanet 140922, MedGen C1837342, MONDO:0012127, OMIM 608807.

Submissions (4):

Ambry Genetics
Classification: Likely pathogenic for Cardiovascular phenotype. Last evaluated: 2026-02-11. Review status: criteria provided, single submitter. Criteria: Ambry Variant Classification Scheme 2023. Collection method: clinical testing. Allele origin: germline.
Comment: The p.Q17470* variant (also known as c.52408C>T), located in coding exon 153 of the TTN gene, results from a C to T substitution at nucleotide position 52408. This changes the amino acid from a glutamine to a stop codon within coding exon 153. This exon is located in the A-band region of the N2-B isoform of the titin protein and is constitutively expressed in TTN transcripts (percent spliced in or PSI 100%). This variant was reported in individual(s) with features consistent with dilated cardiomyopathy (DCM) (Rich KA et al. Mol Genet Genomic Med, 2020 Oct;8:e1460). Note, this variant is also referred to as NM_001267550.1: c.79603C>T (p.Q26535*) in the literature. This alteration is expected to result in loss of function by premature protein truncation or nonsense-mediated mRNA decay. While truncating variants in TTN are present in 1-3% of the general population, truncating variants in the A-band are the most common cause of dilated cardiomyopathy (DCM) (Herman DS et al. N. Engl. J. Med., 2012 Feb;366:619-28; Roberts AM et al. Sci Transl Med, 2015 Jan;7:270ra6). TTN truncating variants encoded in constitutive exons (PSI >90%) have been found to be significantly associated with DCM regardless of their position in titin (Schafer S et al. Nat. Genet., 2017 01;49:46-53). This variant is considered to be rare based on population cohorts in the Genome Aggregation Database (gnomAD). Based on the majority of available evidence to date, this variant is likely to be pathogenic.

Labcorp Genetics (formerly Invitae), Labcorp
Classification: Pathogenic for Dilated cardiomyopathy 1G; Autosomal recessive limb-girdle muscular dystrophy type 2J. Last evaluated: 2025-11-17. Review status: criteria provided, single submitter. Criteria: Invitae Variant Classification Sherloc (09022015). Collection method: clinical testing. Allele origin: germline.
Comment: This sequence change creates a premature translational stop signal (p.Gln26535*) in the TTN gene. While this is not anticipated to result in nonsense mediated decay, it is expected to create a truncated TTN protein. This variant is not present in population databases (gnomAD no frequency). This premature translational stop signal has been observed in individuals with dilated cardiomyopathy (PMID: 24119082, 32815318; internal data). This variant is also known as c.52408C>T (p.R17470X). ClinVar contains an entry for this variant (Variation ID: 419495). This variant is located in the A band of TTN (PMID: 25589632). Truncating variants in this region are significantly overrepresented in patients affected with dilated cardiomyopathy (PMID: 25589632). Truncating variants in this region have also been reported in individuals affected with autosomal recessive centronuclear myopathy (PMID: 23975875). For these reasons, this variant has been classified as Pathogenic.

GeneDx
Classification: Pathogenic. Last evaluated: 2021-01-26. Review status: criteria provided, single submitter. Criteria: GeneDx Variant Classification Process June 2021. Collection method: clinical testing. Allele origin: germline. Affected: yes.
Comment: Has not been previously published as pathogenic or benign to our knowledge; Not observed in large population cohorts (Lek et al., 2016); Nonsense variant predicted to result in protein truncation or nonsense mediated decay in a gene for which loss-of-function is a known mechanism of disease

Cardiogenetics and Myogenetics Molecular and Cellular Functional Unit, Aphp Sorbonne University-Hopital Pitie Salpetriere
Classification: Likely pathogenic for Dilated cardiomyopathy 1G. Last evaluated: 2024-01-06. Review status: no assertion criteria provided. Collection method: clinical testing. Allele origin: germline. Affected: yes. Not counted in ClinVar's aggregate classification.

Literature cited by the submitters: PubMed 32815318 (cited by Ambry Genetics and Labcorp Genetics (formerly Invitae), Labcorp); PubMed 24119082 (cited by Labcorp Genetics (formerly Invitae), Labcorp); PubMed 25589632 (cited by Labcorp Genetics (formerly Invitae), Labcorp); PubMed 23975875 (cited by Labcorp Genetics (formerly Invitae), Labcorp).